The following is an entry in ClinVar:

NM_001375524.1(TRRAP):c.5655C>T (p.Ala1885=)

Gene: TRRAP (transformation/transcription domain associated protein; plus strand). Cytogenetic location: 7q22.1.
Variant type: single nucleotide variant.
Coding change: c.5655C>T on transcript NM_001375524.1 (MANE Select); coding-DNA position 5655, C replaced by T.
Protein change: p.Ala1885=; no amino-acid change (alanine 1885 retained).
Molecular consequence: synonymous variant.
Genome position (GRCh38, 1-based): chr7:98,953,358, C>T. VCF-style: chr7-98953358-C-T. GRCh37 (hg19) VCF-style: chr7-98550981-C-T.
Other names: c.5634C>T, p.Ala1878= (NM_001244580.2); c.5580C>T, p.Ala1860= (NM_003496.4).
Identifiers: ClinVar variation 4994189 (VCV004994189.1).

ClinVar aggregate classification (germline): Likely benign (1 of 4 stars; one submission).

Conditions:
TRRAP-related disorder. Also called: TRRAP-related condition.

Submission:

PreventionGenetics, part of Exact Sciences
Classification: Likely benign for TRRAP-related condition. Last evaluated: 2026-07-10. Review status: criteria provided, single submitter. Criteria: ACMG Guidelines, 2015. Collection method: clinical testing. Allele origin: germline.
Comment: This variant is classified as likely benign based on ACMG/AMP sequence variant interpretation guidelines (Richards et al. 2015 PMID: 25741868, with internal and published modifications).